The following is an entry in ClinVar:

ClinVar aggregate classification (germline): Uncertain significance (1 of 4 stars; one submission).

Conditions:
Multiple congenital anomalies-hypotonia-seizures syndrome 1 (MCAHS1). Also called: PIGN-CDG; Congenital disorder of glycosylation due to PIGN deficiency; GLYCOSYLPHOSPHATIDYLINOSITOL BIOSYNTHESIS DEFECT 3. Identifiers: Orphanet 280633, MedGen C3279775, MONDO:0013563, OMIM 614080.

Allele frequency attached by ClinVar (database versions not stated): gnomAD exomes below 0.00001; ExAC 0.00001.
gnomAD v4.1: 1 of 1,537,122 alleles (0.000065%); highest among the groups gnomAD compares: East Asian, 0.0023%; no homozygotes.

Submission:

Labcorp Genetics (formerly Invitae), Labcorp
Classification: Uncertain significance for Multiple congenital anomalies-hypotonia-seizures syndrome 1. Last evaluated: 2021-09-07. Review status: criteria provided, single submitter. Criteria: Invitae Variant Classification Sherloc (09022015). Collection method: clinical testing. Allele origin: germline.
Comment: This sequence change falls in intron 13 of the PIGN gene. It does not directly change the encoded amino acid sequence of the PIGN protein. It affects a nucleotide within the consensus splice site of the intron. This variant is present in population databases (rs760033956, ExAC 0.01%). This variant has not been reported in the literature in individuals affected with PIGN-related conditions. Variants that disrupt the consensus splice site are a relatively common cause of aberrant splicing (PMID: 17576681, 9536098). Algorithms developed to predict the effect of sequence changes on RNA splicing suggest that this variant may disrupt the consensus splice site. In summary, the available evidence is currently insufficient to determine the role of this variant in disease. Therefore, it has been classified as a Variant of Uncertain Significance.

Literature cited by the submitters: PubMed 17576681; PubMed 9536098.

NM_176787.5(PIGN):c.1116+3A>G

Gene: PIGN (phosphatidylinositol glycan anchor biosynthesis class N; minus strand). Cytogenetic location: 18q21.33.
Variant type: single nucleotide variant.
Coding change: c.1116+3A>G on transcript NM_176787.5 (MANE Select); 3 bases into the intron after coding-DNA position 1116, A replaced by G.
Molecular consequence: intron variant.
Genome position (GRCh38, 1-based): chr18:62,138,980, T>C on the plus strand (A>G on the coding strand, the complement: PIGN is on the minus strand). VCF-style: chr18-62138980-T-C. GRCh37 (hg19) VCF-style: chr18-59806213-T-C.
Other names: c.1116+3A>G (NM_012327.6).
Identifiers: ClinVar variation 1412653 (VCV001412653.3), dbSNP rs760033956, ClinGen allele CA8982396.
Genomic context (GRCh38, chr18:62,138,980, plus strand): 5'-ATTCAATATTTAAATTGTAGTATTGTCCATTTTTGTGCGTGCCTTTTTGAATTTTTTTTT[T>C]ACCTTGAACTGTTCAAGAATCTGTACTGCATTTGTAAACATGCTCTCTGCTTTGAAGAGA-3'